The following is an entry in ClinVar:

ClinVar aggregate classification (germline): Pathogenic (1 of 4 stars; one submission).

Conditions:
Brooke-Spiegler syndrome. Also called: CYLD Cutaneous Syndrome. Identifiers: Orphanet 79493, MedGen C1857941, MONDO:0011512, OMIM 605041.

Submission:

Genomic Diagnostic Laboratory, Division of Genomic Diagnostics, Children's Hospital of Philadelphia
Classification: Pathogenic for Brooke-Spiegler syndrome. Last evaluated: 2016-09-23. Review status: criteria provided, single submitter. Criteria: DGD Variant Analysis Guidelines. Collection method: clinical testing. Allele origin: germline. Affected: yes. Observed: 1 variant allele.
Comment: Clinical Testing

NM_001378743.1(CYLD):c.2138_2139dup (p.Phe714fs)

Genes: CYLD (CYLD lysine 63 deubiquitinase; plus strand), CYLD-AS2 (CYLD antisense RNA 2; minus strand). Cytogenetic location: 16q12.1.
Variant type: Duplication.
Coding change: c.2138_2139dup on transcript NM_001378743.1 (MANE Select); coding-DNA positions 2138 to 2139, 2 bases duplicated (AC; older notation c.2138_2139dupAC).
Protein change: p.Phe714fs; shifts the reading frame from phenylalanine 714.
Molecular consequence: frameshift variant. On other transcripts: non-coding transcript variant (1).
Genome position (GRCh38, 1-based): chr16:50,791,587-50,791,588, AC duplicated. VCF-style (leftmost placement, unchanged base first): chr16-50791586-T-TAC. GRCh37 (hg19) VCF-style: chr16-50825497-T-TAC.
Other names: c.2138_2139dupAC (NM_015247.2); c.2129_2130dup, p.Phe711fs (NM_001042355.2, NM_001042412.3, NM_001378744.1 and 6 more transcripts); c.2099_2100dup, p.Phe701fs (NM_001378751.1, NM_001378752.1, NM_001378753.1); c.1463_1464dup, p.Phe489fs (NM_001378754.1, NM_001378755.1); c.2138_2139dup, p.Phe714fs (NM_015247.3); short protein forms F714fs, F711fs, F489fs, F701fs.
Identifiers: ClinVar variation 267246 (VCV000267246.1), dbSNP rs886040885, ClinGen allele CA10590083.